The following is an entry in ClinVar:

ClinVar aggregate classification (germline): Uncertain significance. Review status: criteria provided, multiple submitters, no conflicts (2 of 4 stars). 2 submissions from 2 submitters: Uncertain significance (2). Last evaluated 2024-06-04.

Conditions:
Fanconi anemia (FA). Also called: Fanconi's anemia. Identifiers: Orphanet 84, MedGen C0015625, MeSH D005199, MONDO:0019391.
Spermatogenic failure 28. Identifiers: MedGen C4748117, MONDO:0054732, OMIM 618086.
Premature ovarian failure 15. Identifiers: MedGen C4748170, MONDO:0054862, OMIM 618096.

Allele frequency attached by ClinVar (database versions not stated): gnomAD 0.00001; ExAC 0.00002; gnomAD exomes 0.00002; TOPMed 0.00003.
gnomAD v4.1: 38 of 1,612,934 alleles (0.0024%); highest among the groups gnomAD compares: Non-Finnish European, 0.003%; no homozygotes.

Submissions (2):

Fulgent Genetics
Classification: Uncertain significance for Spermatogenic failure 28; Premature ovarian failure 15. Last evaluated: 2024-06-04. Review status: criteria provided, single submitter. Criteria: ACMG Guidelines, 2015. Collection method: clinical testing. Allele origin: germline.

Labcorp Genetics (formerly Invitae), Labcorp
Classification: Uncertain significance for Fanconi anemia. Last evaluated: 2024-05-06. Review status: criteria provided, single submitter. Criteria: Invitae Variant Classification Sherloc (09022015). Collection method: clinical testing. Allele origin: germline.
Comment: This sequence change replaces lysine, which is basic and polar, with glutamic acid, which is acidic and polar, at codon 918 of the FANCM protein (p.Lys918Glu). This variant is present in population databases (rs757244993, gnomAD 0.005%). This variant has not been reported in the literature in individuals affected with FANCM-related conditions. ClinVar contains an entry for this variant (Variation ID: 937368). An algorithm developed to predict the effect of missense changes on protein structure and function (PolyPhen-2) suggests that this variant is likely to be tolerated. In summary, the available evidence is currently insufficient to determine the role of this variant in disease. Therefore, it has been classified as a Variant of Uncertain Significance.

NM_020937.4(FANCM):c.2752A>G (p.Lys918Glu)

Gene: FANCM (FA complementation group M; plus strand). Cytogenetic location: 14q21.2.
Variant type: single nucleotide variant.
Coding change: c.2752A>G on transcript NM_020937.4 (MANE Select); coding-DNA position 2752, A replaced by G.
Protein change: p.Lys918Glu; replaces lysine 918 with glutamic acid.
Molecular consequence: missense variant.
Genome position (GRCh38, 1-based): chr14:45,175,506, A>G. VCF-style: chr14-45175506-A-G. GRCh37 (hg19) VCF-style: chr14-45644709-A-G.
Other names: c.2674A>G, p.Lys892Glu (NM_001308133.2); short protein forms K918E, K892E.
Identifiers: ClinVar variation 937368 (VCV000937368.8), dbSNP rs757244993, ClinGen allele CA7169405.
Genomic context (GRCh38, chr14:45,175,506, plus strand): 5'-AAAAGGACATCAGATACAGATGAAATTGCTGCCACATGTACTATTAATGAAAATGTTATT[A>G]AAGAACCGTGTGTGTTATTAACAGAGTGTCAGTTTACAAATAAATCCACTAGTTCACTTG-3'
Protein context (NP_065988.1, residues 908-928): ATCTINENVI[Lys918Glu]EPCVLLTECQ